The following is an entry in ClinVar:

ClinVar aggregate classification (germline): Benign. Review status: criteria provided, multiple submitters, no conflicts (2 of 4 stars). 3 submissions from 3 submitters: Benign (3). Last evaluated 2018-06-19.

Allele frequency attached by ClinVar (database versions not stated): gnomAD exomes 0.09941; gnomAD 0.15259 and 0.15412; TOPMed 0.15492; 1000 Genomes Project 0.16573; 1000 Genomes Project 30x 0.16786.
gnomAD v4.1: 131,862 of 1,240,788 alleles (11%); highest among the groups gnomAD compares: African/African-American, 29%; 8,712 homozygotes.

Submissions (3):

GeneDx
Classification: Benign. Last evaluated: 2018-06-19. Review status: criteria provided, single submitter. Criteria: GeneDx Variant Classification (06012015). Collection method: clinical testing. Allele origin: germline. Affected: yes.
Comment: This variant is considered likely benign or benign based on one or more of the following criteria: it is a conservative change, it occurs at a poorly conserved position in the protein, it is predicted to be benign by multiple in silico algorithms, and/or has population frequency not consistent with disease.

Blueprint Genetics
Classification: Benign. Last evaluated: 2018-06-14. Review status: criteria provided, single submitter. Criteria: ACMG Guidelines, 2015. Collection method: clinical testing. Allele origin: germline.

Breakthrough Genomics
Classification: Benign. Review status: criteria provided, single submitter. Criteria: ACMG Guidelines, 2015. Collection method: not provided. Allele origin: germline. Inheritance: Autosomal dominant inheritance. Affected: yes.

NM_001276345.2(TNNT2):c.233+317G>A

Gene: TNNT2 (troponin T2, cardiac type; minus strand). Cytogenetic location: 1q32.1.
Variant type: single nucleotide variant.
Coding change: c.233+317G>A on transcript NM_001276345.2 (MANE Select); 317 bases into the intron after coding-DNA position 233, G replaced by A.
Molecular consequence: intron variant.
Genome position (GRCh38, 1-based): chr1:201,366,521, C>T on the plus strand (G>A on the coding strand, the complement: TNNT2 is on the minus strand). VCF-style: chr1-201366521-C-T. GRCh37 (hg19) VCF-style: chr1-201335649-C-T.
Other names: c.188+317G>A (NM_001001432.3); c.203+317G>A (NM_001001431.3, NM_001001430.3, NM_001276347.2); c.230+317G>A (NM_001276346.2); c.233+317G>A (NM_000364.4).
Identifiers: ClinVar variation 668765 (VCV000668765.3), dbSNP rs7544061, ClinGen allele CA10991817.
Genomic context (GRCh38, chr1:201,366,521, plus strand): 5'-GGCACGGTTTCATTGTTTGGCTCCCCACAATTTGCTTCCCTTAATCCCAAGGTCCCACCT[C>T]GGCCATGGAGGAGGGTGTTCTGGCCATACTGTGAGAGAGGAGAGTGTCCGTTCAGGGCCC-3'